The following is an entry in ClinVar:

ClinVar aggregate classification (germline): Pathogenic (1 of 4 stars; one submission).

Conditions:
Cardiovascular phenotype. Identifiers: MedGen CN230736.

Submission:

Ambry Genetics
Classification: Pathogenic for Cardiovascular phenotype. Last evaluated: 2026-08-26. Review status: criteria provided, single submitter. Criteria: Ambry Variant Classification Scheme 2023. Collection method: clinical testing. Allele origin: germline.
Comment: The p.Q1635* pathogenic mutation (also known as c.4903C>T), located in coding exon 23 of the DSP gene, results from a C to T substitution at nucleotide position 4903. This changes the amino acid from a glutamine to a stop codon within coding exon 23. This variant is considered to be rare based on population cohorts in the Genome Aggregation Database (gnomAD). This alteration is expected to result in loss of function by premature protein truncation or nonsense-mediated mRNA decay. As such, this alteration is interpreted as a disease-causing mutation.

NM_004415.4(DSP):c.4903C>T (p.Gln1635Ter)

Gene: DSP (desmoplakin; plus strand). Cytogenetic location: 6p24.3.
Variant type: single nucleotide variant.
Coding change: c.4903C>T on transcript NM_004415.4 (MANE Select); coding-DNA position 4903, C replaced by T.
Protein change: p.Gln1635Ter; replaces glutamine 1635 with a stop codon.
Molecular consequence: nonsense. On other transcripts: intron variant (2).
Genome position (GRCh38, 1-based): chr6:7,581,093, C>T. VCF-style: chr6-7581093-C-T. GRCh37 (hg19) VCF-style: chr6-7581326-C-T.
Other names: c.4050+853C>T (NM_001319034.2); c.3582+1321C>T (NM_001008844.3); short protein forms Q1635*.
Identifiers: ClinVar variation 5035665 (VCV005035665.1).